The following continues an entry in ClinVar:

NM_007294.4(BRCA1):c.4910C>T (p.Pro1637Leu)

Gene: BRCA1. ClinVar aggregate classification (germline): Benign. Benign (1).

Submissions 16 to 17 of 17:

Brotman Baty Institute, University of Washington
No classification provided (evidence only). Condition: Breast-ovarian cancer, familial 1. Review status: no classification provided. Collection method: in vitro. Allele origin: not applicable. Functional consequence: functionally_normal. Not counted in ClinVar's aggregate classification.
ClinVar note: "not provided" was previously submitted as the classification for the variant. However, the classification appeared to be based only on an observation of functional data so it was converted to no classification on 2025-07-30.

Department of Pathology and Laboratory Medicine, Sinai Health System
Classification: Likely benign for Malignant tumor of breast. Review status: no assertion criteria provided. Collection method: clinical testing. Allele origin: unknown. Affected: yes. Observed: 1 variant allele. Study: The Canadian Open Genetics Repository (COGR). Not counted in ClinVar's aggregate classification.
Comment: The BRCA1 p.Pro1637Leu variant was identified in 1 of 858 proband chromosomes (frequency: 0.001) from individuals or families with ovarian cancer (Kanchi 2014). The variant was also identified in dbSNP (ID: rs80357048) as "With Uncertain significance, other alleleâ€šÃ„Ã¹, ClinVar (classified as benign by Invitae, Ambry Genetics and four other submitters; as likely benign by two submitters and as uncertain significance by two submitters), MutDB , LOVD 3.0 (8x), UMD-LSDB (6x as unclassified variant), BIC Database (67x with unknown significance), and in ARUP Laboratories (not pathogenic or of no clinical significance). The variant was not identified in the COGR, Cosmic, or Zhejiang University, databases. The variant was identified in control databases in 5 of 246118 chromosomes at a frequency of 0.00002 (Genome Aggregation Database Feb 27, 2017). The variant was observed in the European population in 5 of 111576 chromosomes (freq: 0.00005), but not in the African, Other, Latino, Ashkenazi Jewish, East Asian, Finnish, and South Asian populations. The p.Pro1637 residue is not conserved in mammals and four out of five computational analyses (PolyPhen-2, SIFT, AlignGVGD, BLOSUM, MutationTaster) do not suggest a high likelihood of impact to the protein; however, this information is not predictive enough to rule out pathogenicity. The variant occurs outside of the splicing consensus sequence and in silico or computational prediction software programs (SpliceSiteFinder, MaxEntScan, NNSPLICE, GeneSplicer) do not predict a difference in splicing. The multifactorial probability based model determined the variant has posterior probability of being deleterious 6.27âˆšÃ³10-5 and predicted to be neutral with odds of neutrality = 493 (Lindor 2012, Easton 2007). In addition, in several publications the variant observed with one or more known truncating mutations (Kanchi 2014, Tavtigian 2006), increasing the likelihood that the p.Pro1637Leu variant does not have clinical significance. In summary, based on the above information the clinical significance of this variant cannot be determined with certainty at this time although we would lean towards a more benign role for this variant. This variant is classified as likely benign.

Literature cited by the submitters: PubMed 21990134 (cited by Evidence-based Network for the Interpretation of Germline Mutant Alleles (ENIGMA) and Women's Health and Genetics/Laboratory Corporation of America, LabCorp); PubMed 24504028 (cited by Women's Health and Genetics/Laboratory Corporation of America, LabCorp); PubMed 16014699 (cited by Women's Health and Genetics/Laboratory Corporation of America, LabCorp); PubMed 9159158 (cited by Women's Health and Genetics/Laboratory Corporation of America, LabCorp); PubMed 7837387 (cited by Women's Health and Genetics/Laboratory Corporation of America, LabCorp); PubMed 17924331 (cited by Women's Health and Genetics/Laboratory Corporation of America, LabCorp); PubMed 22753008 (cited by Women's Health and Genetics/Laboratory Corporation of America, LabCorp); PubMed 16267036 (cited by Women's Health and Genetics/Laboratory Corporation of America, LabCorp); PubMed 15385441 (cited by Women's Health and Genetics/Laboratory Corporation of America, LabCorp); PubMed 9523200 (cited by Women's Health and Genetics/Laboratory Corporation of America, LabCorp); PubMed 15004537 (cited by Women's Health and Genetics/Laboratory Corporation of America, LabCorp); PubMed 18824701 (cited by Women's Health and Genetics/Laboratory Corporation of America, LabCorp); PubMed 11183185 (cited by Women's Health and Genetics/Laboratory Corporation of America, LabCorp).